The following is an entry in ClinVar:

NM_003597.5(KLF11):c.758C>G (p.Pro253Arg)

Gene: KLF11 (KLF transcription factor 11; plus strand). Cytogenetic location: 2p25.1.
Variant type: single nucleotide variant.
Coding change: c.758C>G on transcript NM_003597.5 (MANE Select); coding-DNA position 758, C replaced by G.
Protein change: p.Pro253Arg; replaces proline 253 with arginine.
Molecular consequence: missense variant.
Genome position (GRCh38, 1-based): chr2:10,048,095, C>G. VCF-style: chr2-10048095-C-G. GRCh37 (hg19) VCF-style: chr2-10188222-C-G.
Other names: c.707C>G, p.Pro236Arg (NM_001177716.2, NM_001177718.2); short protein forms P236R, P253R.
Identifiers: ClinVar variation 2076612 (VCV002076612.4), dbSNP rs1378544812, ClinGen allele CA345802367.

ClinVar aggregate classification (germline): Uncertain significance (1 of 4 stars; one submission).

Allele frequency attached by ClinVar (database versions not stated): gnomAD 0.00001; gnomAD exomes 0.00001; TOPMed 0.00002.
gnomAD v4.1: 9 of 1,614,124 alleles (0.00056%); highest among the groups gnomAD compares: Admixed American, 0.012%; no homozygotes.

Submission:

Labcorp Genetics (formerly Invitae), Labcorp
Classification: Uncertain significance. Last evaluated: 2023-09-12. Review status: criteria provided, single submitter. Criteria: Invitae Variant Classification Sherloc (09022015). Collection method: clinical testing. Allele origin: germline.
Comment: This variant has not been reported in the literature in individuals affected with KLF11-related conditions. This sequence change replaces proline, which is neutral and non-polar, with arginine, which is basic and polar, at codon 253 of the KLF11 protein (p.Pro253Arg). This variant is present in population databases (no rsID available, gnomAD 0.02%). ClinVar contains an entry for this variant (Variation ID: 2076612). An algorithm developed to predict the effect of missense changes on protein structure and function (PolyPhen-2) suggests that this variant is likely to be disruptive. In summary, the available evidence is currently insufficient to determine the role of this variant in disease. Therefore, it has been classified as a Variant of Uncertain Significance.